The following is an entry in ClinVar:

ClinVar aggregate classification (germline): Uncertain significance (1 of 4 stars; one submission).

Submission:

Labcorp Genetics (formerly Invitae), Labcorp
Classification: Uncertain significance. Last evaluated: 2022-04-29. Review status: criteria provided, single submitter. Criteria: Invitae Variant Classification Sherloc (09022015). Collection method: clinical testing. Allele origin: germline.
Comment: In summary, the available evidence is currently insufficient to determine the role of this variant in disease. Therefore, it has been classified as a Variant of Uncertain Significance. Algorithms developed to predict the effect of missense changes on protein structure and function are either unavailable or do not agree on the potential impact of this missense change (SIFT: "Tolerated"; PolyPhen-2: "Not Available"; Align-GVGD: "Class C0"). This variant has not been reported in the literature in individuals affected with KIDINS220-related conditions. This variant is not present in population databases (gnomAD no frequency). This sequence change replaces tyrosine, which is neutral and polar, with histidine, which is basic and polar, at codon 1150 of the KIDINS220 protein (p.Tyr1150His).

NM_020738.4(KIDINS220):c.3448T>C (p.Tyr1150His)

Gene: KIDINS220 (kinase D interacting substrate 220; minus strand). Cytogenetic location: 2p25.1.
Variant type: single nucleotide variant.
Coding change: c.3448T>C on transcript NM_020738.4 (MANE Select); coding-DNA position 3448, T replaced by C.
Protein change: p.Tyr1150His; replaces tyrosine 1150 with histidine.
Molecular consequence: missense variant. On other transcripts: non-coding transcript variant (1), intron variant (8).
Genome position (GRCh38, 1-based): chr2:8,747,967, A>G on the plus strand (T>C on the coding strand, the complement: KIDINS220 is on the minus strand). VCF-style: chr2-8747967-A-G. GRCh37 (hg19) VCF-style: chr2-8888097-A-G.
Other names: c.3451T>C, p.Tyr1151His (NM_001348729.2, NM_001348731.2); c.3448T>C, p.Tyr1150His (NM_001348732.2, NM_001348738.2); c.3414+2145T>C (NM_001348741.2, NM_001348742.2, NM_001348743.2 and 1 more transcripts); c.3417+2145T>C (NM_001348739.2, NM_001348740.2, NM_001348734.2); c.3288+2145T>C (NM_001348736.2); short protein forms Y1151H, Y1150H.
Identifiers: ClinVar variation 2069776 (VCV002069776.4), dbSNP rs2527596824, ClinGen allele CA345771054.